The following is an entry in ClinVar:

NM_033409.4(SLC52A3):c.62A>G (p.Asn21Ser)

Gene: SLC52A3 (solute carrier family 52 member 3; minus strand). Cytogenetic location: 20p13.
Variant type: single nucleotide variant.
Coding change: c.62A>G on transcript NM_033409.4 (MANE Select); coding-DNA position 62, A replaced by G.
Protein change: p.Asn21Ser; replaces asparagine 21 with serine.
Molecular consequence: missense variant.
Genome position (GRCh38, 1-based): chr20:765,713, T>C on the plus strand (A>G on the coding strand, the complement: SLC52A3 is on the minus strand). VCF-style: chr20-765713-T-C. GRCh37 (hg19) VCF-style: chr20-746357-T-C.
Other names: c.62A>G, p.Asn21Ser (NM_001370085.1, NM_001370086.1); short protein forms N21S.
Identifiers: ClinVar variation 210012 (VCV000210012.53), dbSNP rs199588390, ClinGen allele CA346969.

ClinVar aggregate classification (germline): Conflicting classifications of pathogenicity. Review status: criteria provided, conflicting classifications (1 of 4 stars). 11 submissions from 11 submitters: Pathogenic (2); Likely pathogenic (4); Uncertain significance (4). 1 of the submissions does not count toward it. Last evaluated 2026-05-11.

Conditions:
SLC52A3-related disorder. Also called: SLC52A3-related condition.
Inborn genetic diseases. Identifiers: MedGen C0950123, MeSH D030342.
Brown-Vialetto-van Laere syndrome 1. Also called: BROWN-VIALETTO-VAN LAERE SYNDROME 1, MILD; BULBAR PALSY, PROGRESSIVE, WITH SENSORINEURAL DEAFNESS; PONTOBULBAR PALSY WITH DEAFNESS. Identifiers: Orphanet 572550, Orphanet 97229, MedGen C0796274, MONDO:0024537, OMIM 211530.

Allele frequency attached by ClinVar (database versions not stated): gnomAD 0.00005 and 0.00006; TOPMed 0.00011; gnomAD exomes 0.00013 and 0.00016; ESP Exome Variant Server 0.00015; ExAC 0.00020.
gnomAD v4.1: 203 of 1,613,538 alleles (0.013%); highest among the groups gnomAD compares: Non-Finnish European, 0.014%; no homozygotes.

Submissions (11):

PreventionGenetics, part of Exact Sciences
Classification: Likely pathogenic for SLC52A3-related condition. Last evaluated: 2026-05-11. Review status: criteria provided, single submitter. Criteria: ACMG Guidelines, 2015. Collection method: clinical testing. Allele origin: germline.
Comment: The SLC52A3 c.62A>G variant is predicted to result in the amino acid substitution p.Asn21Ser. This variant has been reported in the homozygous state or compound heterozygous with a second SLC52A3 variant in multiple individuals with Brown-Vialetto-Van Laere syndrome (BVVLS) or Fazio-Londre syndrome (FLS) (gene referred to as C20orf54 in Dezfouli et al. 2012. PubMed ID: 22718020; Udhayabanu et al. 2016. PubMed ID: 27702554; Gowda et al. 2018. PubMed ID: 29501408; Khani et al. 2020. PubMed ID: 33189404; Gayathri et al. 2021. PubMed ID: 33325104). The patient reported by Udhayabanu et al. was also homozygous for a variant in the SLC52A2 gene (c.421C>A, p.Pro141Thr); however, in functional studies the SLC52A2 p.Pro141Thr substitution behaved similarly to control whereas the SLC52A3 p.Asn21Ser substitution lead to greatly reduced riboflavin uptake and absent cell surface expression (Udhayabanu et al. 2016. PubMed ID: 27702554). This variant is reported in 0.020% of alleles in individuals of East Asian descent in gnomAD. Taken together, this variant is interpreted as likely pathogenic.

Labcorp Genetics (formerly Invitae), Labcorp
Classification: Pathogenic for Brown-Vialetto-van Laere syndrome 1. Last evaluated: 2025-10-07. Review status: criteria provided, single submitter. Criteria: Invitae Variant Classification Sherloc (09022015). Collection method: clinical testing. Allele origin: germline.
Comment: This sequence change replaces asparagine, which is neutral and polar, with serine, which is neutral and polar, at codon 21 of the SLC52A3 protein (p.Asn21Ser). This variant is present in population databases (rs199588390, gnomAD 0.02%). This missense change has been observed in individuals with Brown-Vialetto-Van Laere syndrome and/or Fazio Londe syndrome (PMID: 27702554, 33189404, 33325104). It has also been observed to segregate with disease in related individuals. ClinVar contains an entry for this variant (Variation ID: 210012). Invitae Evidence Modeling of protein sequence and biophysical properties (such as structural, functional, and spatial information, amino acid conservation, physicochemical variation, residue mobility, and thermodynamic stability) indicates that this missense variant is expected to disrupt SLC52A3 protein function with a positive predictive value of 95%. Experimental studies have shown that this missense change affects SLC52A3 function (PMID: 27702554). For these reasons, this variant has been classified as Pathogenic.

Blueprint Genetics
Classification: Likely pathogenic for SLC52A3-related disorders. Last evaluated: 2024-11-06. Review status: criteria provided, single submitter. Criteria: ACMG Guidelines, 2015. Collection method: clinical testing. Allele origin: germline. Affected: yes. Observed: 5 variant alleles.

GeneDx
Classification: Likely pathogenic. Last evaluated: 2023-08-08. Review status: criteria provided, single submitter. Criteria: GeneDx Variant Classification Process June 2021. Collection method: clinical testing. Allele origin: germline. Affected: yes.
Comment: Published functional studies demonstrate a damaging effect on protein localization; protein was retained in intracellular vesicles, leading to a reduction in riboflavin intake (Udhayabanu T et al., 2016); In silico analysis supports that this missense variant has a deleterious effect on protein structure/function; This variant is associated with the following publications: (PMID: 29501408, 27702554, 31959559, 33325104, 22718020, 33189404, 34426522, 36511838)

Women's Health and Genetics/Laboratory Corporation of America, LabCorp
Classification: Likely pathogenic for Brown-Vialetto-van Laere syndrome 1. Last evaluated: 2023-01-11. Review status: criteria provided, single submitter. Criteria: LabCorp Variant Classification Summary - May 2015. Collection method: clinical testing. Allele origin: germline.
Comment: Variant summary: SLC52A3 (aka. C20orf54) c.62A>G (p.Asn21Ser) results in a conservative amino acid change in the encoded protein sequence. Four of five in-silico tools predict a damaging effect of the variant on protein function. The variant allele was found at a frequency of 0.00015 (i.e. 41 heterozygous carriers) in 279628 control chromosomes. This frequency doesn't allow clear conclusions about variant significance. The variant, c.62A>G, has been reported in the literature in several homozygous and compound heterozygous individuals affected with Brown-Vialetto Laere- (BVVL) and Fazio-Londe (FL) syndrome (Udhayabanu_2016, Gowda_2018, Gayathri_2021, Dezfouli_2012), and in several cases improvement after riboflavin supplementation was described (Udhayabanu_2016, Gowda_2018, Gayathri_2021). In one of these families the variant was reported in a homozygous BLLV patient, who also carried another homozygous variant in a different riboflavin transporter gene (SLC52A2 c.421C>A (p.P141T)), which could contribute to the patient's phenotype (Udhayabanu_2016). On the other hand, the variant was also reported in a family in 3 homozygotes, where one was affected with BVVL, one with isolated hearing loss, and a third homozygous family member was apparently unaffected (Khani_2021); in this family the variant was also found in 4 heterozygotes, and none of them was diagnosed with BVVL or was noted to have hearing problems. In another family, where 3 compound heterozygotes were diagnosed with BVVL, the variant was also found in 2 heterozygotes, and one of them was affected with BVVL, while the other had isolated hearing loss (Khani_2021). Authors of this study concluded that the variant might have variable expressivity and incomplete penetrance, where environmental insults and putative causative mutations in other genes may contribute to these variable presentations (Khani_2021). These data indicate that the variant is very likely to be associated with disease, although it's expressivity and penetrance may be variable. One of these publications also reported experimental evidence evaluating an impact on protein function, and demonstrated mislocalization for the variant protein when transfected into neuronal- and intestinal cell lines, in addition, riboflavin uptake was almost completely abolished, when measured in the transfected intestinal cell line (Udhayabanu_2016). Six submitters have provided clinical-significance assessments for this variant in ClinVar after 2014 mostly without evidence for independent evaluation, and classified the variant as likely pathogenic (n=1) or VUS (n=5). Based on the evidence outlined above, the variant was classified as likely pathogenic.

Revvity Omics, Revvity
Classification: Pathogenic. Last evaluated: 2022-07-26. Review status: criteria provided, single submitter. Criteria: ACMG Guidelines, 2015. Collection method: clinical testing. Allele origin: germline.

Institute for Clinical Genetics, University Hospital TU Dresden, University Hospital TU Dresden
Classification: Uncertain significance. Last evaluated: 2021-11-03. Review status: criteria provided, single submitter. Criteria: ACMG Guidelines, 2015. Collection method: clinical testing. Allele origin: germline.

Ambry Genetics
Classification: Uncertain significance for Inborn genetic diseases. Last evaluated: 2020-10-20. Review status: criteria provided, single submitter. Criteria: Ambry Variant Classification Scheme 2023. Collection method: clinical testing. Allele origin: germline.
Comment: The p.N21S variant (also known as c.62A>G), located in coding exon 1 of the SLC52A3 gene, results from an A to G substitution at nucleotide position 62. The asparagine at codon 21 is replaced by serine, an amino acid with highly similar properties. This variant was detected in two individuals with Brown-Vialetto-Van Laere syndrome; one individual was homozygous, and the other was compound heterozygous with a second variant in SLC52A3 (p.A312V, c.935C>T) (Gowda VK et al. Brain Dev, 2018 Aug;40:582-586; Dezfouli MA et al. J Hum Genet, 2012 Sep;57:613-7). In addition, this variant was detected in the homozygous state in an individual with Fazio-Londe syndrome, who also had a homozygous alteration in SLC52A2 (p.P141T, c.421C>A) (Udhayabanu T et al. Clin Chim Acta, 2016 Nov;462:210-214). This amino acid position is highly conserved in available vertebrate species. In addition, the in silico prediction for this alteration is inconclusive. Since supporting evidence is limited at this time, the clinical significance of this alteration remains unclear.

Genomic Research Center, Shahid Beheshti University of Medical Sciences
Classification: Uncertain significance. Last evaluated: 2019-04-27. Review status: criteria provided, single submitter. Criteria: ACMG Guidelines, 2015. Collection method: clinical testing. Allele origin: inherited. Affected: yes.

Laboratory for Molecular Medicine, Mass General Brigham Personalized Medicine
Classification: Uncertain significance. Last evaluated: 2018-06-06. Review status: criteria provided, single submitter. Criteria: LMM Criteria. Collection method: clinical testing. Allele origin: germline. Observed: 1 variant allele.
Comment: Variant classified as Uncertain Significance - Favor Pathogenic. The p.Asn21Ser variant in SLC52A3 has been reported in 2 individuals with Brown-Vialetto-Van La ere (BVVL) syndrome, a type of riboflavin transporter deficiency neuronopathy th at causes nerve damage including sensorineural hearing loss. One individual was homozygous (Udhayabanu 2016) for this variant and the other individual was compo und heterozygous with a second variant of uncertain significance (Dezfouli 2012) . This variant has been identified in 25/124008 of European chromosomes by the G enome Aggregation Database (gnomAD; dbSNP rs19 9588390). Although this variant has been seen in the general population, its fre quency is not high enough to rule out a pathogenic role. Computational predictio n tools and conservation analysis suggest that thep.Asn21Ser variant may impact the protein, though this information is not predictive enough to determine patho genicity. In vitro functional studies provide some evidence that the p.Asn21Ser variant may impact protein function, specifically riboflavin uptake by due to im paired trafficking and membrane targeting (Udhayabanu 2016). However, these type s of assays may not accurately represent biological function. In summary, while there is some suspicion for a pathogenic role, the clinical significance of the p.Asn21Ser variant is uncertain. ACMG/AMP Criteria applied: PM2_Supporting, PP3, PS3_Supporting, PM3_P.

GeneReviews
No classification provided. Condition: Brown-Vialetto-van Laere syndrome 1. Review status: no classification provided. Collection method: literature only. Allele origin: germline. Affected: yes. Not counted in ClinVar's aggregate classification.

Literature cited by the submitters: PubMed 27702554 (cited by 4 submitters); PubMed 33189404 (cited by Labcorp Genetics (formerly Invitae), Labcorp and Women's Health and Genetics/Laboratory Corporation of America, LabCorp); PubMed 33325104 (cited by Labcorp Genetics (formerly Invitae), Labcorp and Women's Health and Genetics/Laboratory Corporation of America, LabCorp); PubMed 34426522 (cited by Women's Health and Genetics/Laboratory Corporation of America, LabCorp); PubMed 22718020 (cited by 4 submitters); PubMed 29501408 (cited by Women's Health and Genetics/Laboratory Corporation of America, LabCorp and Ambry Genetics); PubMed 34662687 (cited by Women's Health and Genetics/Laboratory Corporation of America, LabCorp); PubMed 26072523 (cited by Laboratory for Molecular Medicine, Mass General Brigham Personalized Medicine); NCBI Bookshelf NBK299312 (cited by GeneReviews).